The following is an entry in ClinVar:

ClinVar aggregate classification (germline): Likely pathogenic (1 of 4 stars; one submission).

Conditions:
Hereditary cancer-predisposing syndrome. Also called: Hereditary Cancer Syndrome; Neoplastic Syndromes, Hereditary; Tumor predisposition; Hereditary neoplastic syndrome. Identifiers: Orphanet 140162, MedGen C0027672, MeSH D009386, MONDO:0015356.

Submission:

Ambry Genetics
Classification: Likely pathogenic for Hereditary cancer-predisposing syndrome. Last evaluated: 2015-07-17. Review status: criteria provided, single submitter. Criteria: Ambry Variant Classification Scheme 2023. Collection method: clinical testing. Allele origin: germline.
Comment: The p.H181D variant (also known as c.541C>G), located in coding exon 2 of the MEN1 gene, results from a C to G substitution at nucleotide position 541. The histidine at codon 181 is replaced by aspartic acid, an amino acid with similar properties. Based on internal structural analysis, this variant is anticipated to result in a significant decrease in structural stability (Huang J et al, Nature 2012 Feb; 482(7386):542-6). This amino acid position is highly conserved in available vertebrate species. In addition, this alteration is predicted to be deleterious by in silico analysis. Based on the majority of available evidence to date, this variant is likely to be pathogenic.

Literature cited by the submitters: PubMed 22327296.

NM_001370259.2(MEN1):c.541C>G (p.His181Asp)

Gene: MEN1 (menin 1; minus strand). Cytogenetic location: 11q13.1.
Variant type: single nucleotide variant.
Coding change: c.541C>G on transcript NM_001370259.2 (MANE Select); coding-DNA position 541, C replaced by G.
Protein change: p.His181Asp; replaces histidine 181 with aspartic acid.
Molecular consequence: missense variant.
Genome position (GRCh38, 1-based): chr11:64,808,004, G>C on the plus strand (C>G on the coding strand, the complement: MEN1 is on the minus strand). VCF-style: chr11-64808004-G-C. GRCh37 (hg19) VCF-style: chr11-64575476-G-C.
Other names: c.556C>G, p.His186Asp (NM_000244.4, NM_001407145.1, NM_001407150.1 and 5 more transcripts); c.541C>G, p.His181Asp (NM_001370251.2, NM_001370260.2, NM_001370261.2 and 12 more transcripts); short protein forms H181D, H186D.
Identifiers: ClinVar variation 1747422 (VCV001747422.2), dbSNP rs2136154163, ClinGen allele CA381185862.